The following is an entry in ClinVar:

NM_001082486.2(ACD):c.529G>A (p.Glu177Lys)

Gene: ACD (ACD shelterin complex subunit and telomerase recruitment factor; minus strand). Cytogenetic location: 16q22.1.
Variant type: single nucleotide variant.
Coding change: c.529G>A on transcript NM_001082486.2 (MANE Select); coding-DNA position 529, G replaced by A.
Protein change: p.Glu177Lys; replaces glutamic acid 177 with lysine.
Molecular consequence: missense variant.
Genome position (GRCh38, 1-based): chr16:67,659,044, C>T on the plus strand (G>A on the coding strand, the complement: ACD is on the minus strand). VCF-style: chr16-67659044-C-T. GRCh37 (hg19) VCF-style: chr16-67692947-C-T.
Other names: c.529G>A, p.Glu177Lys (NM_001410884.1); c.520G>A, p.Glu174Lys (NM_022914.3); short protein forms E174K, E177K.
Identifiers: ClinVar variation 1760998 (VCV001760998.2), dbSNP rs1271930290, ClinGen allele CA396354330.
Genomic context (GRCh38, chr16:67,659,044, plus strand): 5'-CCTCCAGTGTCAGGCAGCTTTCAGCCAGGCACACGAGTGCCCCCTGATGCTCCTGGTCCT[C>T]CCGCATTTCATCCAGAAGCTGGGACAGTGATAGGCCTGGGGACAGGGGACCATGGGATGA-3'
Protein context (NP_001075955.2, residues 167-187): SLSQLLDEMR[Glu177Lys]DQEHQGALVC

ClinVar aggregate classification (germline): Uncertain significance (1 of 4 stars; one submission).

Conditions:
Inborn genetic diseases. Identifiers: MedGen C0950123, MeSH D030342.

Allele frequency attached by ClinVar (database versions not stated): gnomAD exomes 0.00001.

Submission:

Ambry Genetics
Classification: Uncertain significance for Inborn genetic diseases. Last evaluated: 2021-07-16. Review status: criteria provided, single submitter. Criteria: Ambry Variant Classification Scheme 2023. Collection method: clinical testing. Allele origin: germline.
Comment: The p.E263K variant (also known as c.787G>A), located in coding exon 7 of the ACD gene, results from a G to A substitution at nucleotide position 787. The glutamic acid at codon 263 is replaced by lysine, an amino acid with similar properties. This amino acid position is conserved. In addition, this alteration is predicted to be tolerated by in silico analysis. Since supporting evidence is limited at this time, the clinical significance of this alteration remains unclear.